The following is an entry in ClinVar:

NM_000350.3(ABCA4):c.4540-2077C>T

Gene: ABCA4 (ATP binding cassette subfamily A member 4; minus strand). Cytogenetic location: 1p22.1.
Variant type: single nucleotide variant.
Coding change: c.4540-2077C>T on transcript NM_000350.3 (MANE Select); 2077 bases into the intron before coding-DNA position 4540, C replaced by T.
Molecular consequence: intron variant.
Genome position (GRCh38, 1-based): chr1:94,027,125, G>A on the plus strand (C>T on the coding strand, the complement: ABCA4 is on the minus strand). VCF-style: chr1-94027125-G-A. GRCh37 (hg19) VCF-style: chr1-94492681-G-A.
Other names: c.4318-2077C>T (NM_001425324.1).
Identifiers: ClinVar variation 4086041 (VCV004086041.8).
Genomic context (GRCh38, chr1:94,027,125, plus strand): 5'-AGAGAGAGAGAAAAAGAGTGAGTGAGAGAGACAGAGCGCGCACAGCTCCTGTGCATATGC[G>A]TGGCATTCAGTTTTGCTCCAATGGAAGGCACGTATAATAGTGAGGAAATGCAGAAGTGAA-3'

ClinVar aggregate classification (germline): Conflicting classifications of pathogenicity. Review status: criteria provided, conflicting classifications (1 of 4 stars). 2 submissions from 2 submitters: Uncertain significance (1); Likely benign (1). Last evaluated 2026-08-01.

Conditions:
Severe early-childhood-onset retinal dystrophy (STGD1). Also called: MACULAR DYSTROPHY WITH FLECKS, TYPE 1; STGD; Stargardt macular dystrophy; Juvenile onset macular degeneration; Stargardt disease 1. Identifiers: Orphanet 364055, Orphanet 827, MedGen C1855465, MeSH D000080362, MONDO:0009549, OMIM 248200.

gnomAD v4.1: 757 of 152,290 alleles (0.5%); highest among the groups gnomAD compares: Non-Finnish European, 0.89%; 3 homozygotes.

Submissions (2):

CeGaT Center for Human Genetics Tuebingen
Classification: Likely benign. Last evaluated: 2026-08-01. Review status: criteria provided, single submitter. Criteria: CeGaT Center For Human Genetics Tuebingen Variant Classification Criteria Version 2. Collection method: clinical testing. Allele origin: germline. Affected: yes. Observed: 8 variant alleles.
Comment: ABCA4: BS2

Bioscientia Institut fuer Medizinische Diagnostik GmbH, Sonic Healthcare
Classification: Uncertain significance for Severe early-childhood-onset retinal dystrophy. Last evaluated: 2024-08-22. Review status: criteria provided, single submitter. Criteria: ACMG Guidelines, 2015. Collection method: clinical testing. Allele origin: germline. Affected: yes.